The following is an entry in ClinVar:

ClinVar aggregate classification (germline): Uncertain significance. Review status: criteria provided, multiple submitters, no conflicts (2 of 4 stars). 2 submissions from 2 submitters: Uncertain significance (2). Last evaluated 2025-07-30.

Conditions:
Mitochondrial complex II deficiency, nuclear type 1. Also called: SUCCINATE CoQ REDUCTASE DEFICIENCY. Identifiers: Orphanet 3208, MedGen C5700310, MONDO:0100294, OMIM 252011.
Pheochromocytoma/paraganglioma syndrome 5. Also called: Paragangliomas 5; SDHA-Related Hereditary Paraganglioma-Pheochromocytoma Syndrome. Identifiers: Orphanet 29072, MedGen C3279992, MONDO:0013602, OMIM 614165.
Hereditary cancer-predisposing syndrome. Also called: Tumor predisposition; Hereditary Cancer Syndrome; Hereditary neoplastic syndrome; Neoplastic Syndromes, Hereditary. Identifiers: Orphanet 140162, MedGen C0027672, MeSH D009386, MONDO:0015356.

Submissions (2):

Labcorp Genetics (formerly Invitae), Labcorp
Classification: Uncertain significance for Pheochromocytoma/paraganglioma syndrome 5; Mitochondrial complex II deficiency, nuclear type 1. Last evaluated: 2025-07-30. Review status: criteria provided, single submitter. Criteria: Invitae Variant Classification Sherloc (09022015). Collection method: clinical testing. Allele origin: germline.
Comment: This sequence change replaces leucine, which is neutral and non-polar, with valine, which is neutral and non-polar, at codon 571 of the SDHA protein (p.Leu571Val). This variant is not present in population databases (gnomAD no frequency). This variant has not been reported in the literature in individuals affected with SDHA-related conditions. ClinVar contains an entry for this variant (Variation ID: 1415166). Invitae Evidence Modeling of protein sequence and biophysical properties (such as structural, functional, and spatial information, amino acid conservation, physicochemical variation, residue mobility, and thermodynamic stability) has been performed for this missense variant. However, the output from this modeling did not meet the statistical confidence thresholds required to predict the impact of this variant on SDHA protein function. In summary, the available evidence is currently insufficient to determine the role of this variant in disease. Therefore, it has been classified as a Variant of Uncertain Significance.

Ambry Genetics
Classification: Uncertain significance for Hereditary cancer-predisposing syndrome. Last evaluated: 2025-03-18. Review status: criteria provided, single submitter. Criteria: Ambry Variant Classification Scheme 2023. Collection method: clinical testing. Allele origin: germline.
Comment: The p.L571V variant (also known as c.1711C>G), located in coding exon 13 of the SDHA gene, results from a C to G substitution at nucleotide position 1711. The leucine at codon 571 is replaced by valine, an amino acid with highly similar properties. This amino acid position is conserved. In addition, the in silico prediction for this alteration is inconclusive. Since supporting evidence is limited at this time, the clinical significance of this alteration remains unclear.

NM_004168.4(SDHA):c.1711C>G (p.Leu571Val)

Gene: SDHA (succinate dehydrogenase complex flavoprotein subunit A; plus strand). Cytogenetic location: 5p15.33.
Variant type: single nucleotide variant.
Coding change: c.1711C>G on transcript NM_004168.4 (MANE Select); coding-DNA position 1711, C replaced by G.
Protein change: p.Leu571Val; replaces leucine 571 with valine.
Molecular consequence: missense variant. On other transcripts: intron variant (1).
Genome position (GRCh38, 1-based): chr5:251,385, C>G. VCF-style: chr5-251385-C-G. GRCh37 (hg19) VCF-style: chr5-251500-C-G.
Other names: c.1567C>G, p.Leu523Val (NM_001294332.2); c.1552-3008C>G (NM_001330758.2); short protein forms L571V, L523V.
Identifiers: ClinVar variation 1415166 (VCV001415166.11), dbSNP rs1377424433, ClinGen allele CA359000063.